The following is an entry in ClinVar:

NM_173086.5(KRT6C):c.1414G>A (p.Glu472Lys)

Gene: KRT6C (keratin 6C; minus strand). Cytogenetic location: 12q13.13.
Variant type: single nucleotide variant.
Coding change: c.1414G>A on transcript NM_173086.5 (MANE Select); coding-DNA position 1414, G replaced by A.
Protein change: p.Glu472Lys; replaces glutamic acid 472 with lysine.
Molecular consequence: missense variant.
Genome position (GRCh38, 1-based): chr12:52,469,680, C>T on the plus strand (G>A on the coding strand, the complement: KRT6C is on the minus strand). VCF-style: chr12-52469680-C-T. GRCh37 (hg19) VCF-style: chr12-52863464-C-T.
Other names: short protein forms E472K.
Identifiers: ClinVar variation 126527 (VCV000126527.6), dbSNP rs587777292, ClinGen allele CA151187.

ClinVar aggregate classification (germline): Pathogenic/Likely pathogenic. Review status: criteria provided, multiple submitters, no conflicts (2 of 4 stars). 4 submissions from 4 submitters: Pathogenic (2); Likely pathogenic (1). 1 of the submissions does not count toward it. Last evaluated 2024-10-05.

Conditions:
Palmoplantar keratoderma, nonepidermolytic, focal or diffuse (PPKNEFD). Also called: PALMOPLANTAR KERATODERMA, FOCAL OR DIFFUSE. Identifiers: Orphanet 402003, MedGen C3810394, MONDO:0014327, OMIM 615735.

gnomAD v4.1: 3 of 1,614,198 alleles (0.00019%); highest among the groups gnomAD compares: Non-Finnish European, 0.00025%; no homozygotes.

Submissions (4):

Labcorp Genetics (formerly Invitae), Labcorp
Classification: Pathogenic. Last evaluated: 2024-10-05. Review status: criteria provided, single submitter. Criteria: Invitae Variant Classification Sherloc (09022015). Collection method: clinical testing. Allele origin: germline.
Comment: This sequence change replaces glutamic acid, which is acidic and polar, with lysine, which is basic and polar, at codon 472 of the KRT6C protein (p.Glu472Lys). This variant is not present in population databases (gnomAD no frequency). This missense change has been observed in individual(s) with palmoplantar keratoderma (PMID: 21801157, 24611874; internal data). It has also been observed to segregate with disease in related individuals. ClinVar contains an entry for this variant (Variation ID: 126527). Invitae Evidence Modeling of protein sequence and biophysical properties (such as structural, functional, and spatial information, amino acid conservation, physicochemical variation, residue mobility, and thermodynamic stability) has been performed for this missense variant. However, the output from this modeling did not meet the statistical confidence thresholds required to predict the impact of this variant on KRT6C protein function. Experimental studies have shown that this missense change affects KRT6C function (PMID: 23662636). For these reasons, this variant has been classified as Pathogenic.

Fulgent Genetics
Classification: Likely pathogenic for Palmoplantar keratoderma, nonepidermolytic, focal or diffuse. Last evaluated: 2021-10-29. Review status: criteria provided, single submitter. Criteria: ACMG Guidelines, 2015. Collection method: clinical testing. Allele origin: unknown.

GeneDx
Classification: Pathogenic. Last evaluated: 2018-04-20. Review status: criteria provided, single submitter. Criteria: GeneDx Variant Classification (06012015). Collection method: clinical testing. Allele origin: germline. Affected: yes.
Comment: The E472K variant in the KRT6C gene has been reported previously in multiple families with KRT6C-related palmoplantar keratoderma with or without nail dystrophy (Wilson et al., 2010; Akasaka et al., 2011). In vitro functional studies demonstrated that the presence of the E472K variant results in a dose-dependent collapse of the heterodimer keratin filament network and formation of large aggregates containing the co-expressed keratins K14 and K6C (Kubo et al., 2013). The E472K variant is not observed in large population cohorts (Lek et al., 2016; 1000 Genomes Consortium et al., 2015; Exome Variant Server). The E472K variant is a non-conservative amino acid substitution, which is located within the 2B helix termination motif of keratin 6C that is intolerant to change (Kubo et al., 2013). We therefore interpret E472K as a pathogenic variant.

OMIM
Classification: Pathogenic for PALMOPLANTAR KERATODERMA, FOCAL OR DIFFUSE. Last evaluated: 2013-07-01. Review status: no assertion criteria provided. Collection method: literature only. Allele origin: germline. Not counted in ClinVar's aggregate classification.

Literature cited by the submitters: PubMed 21801157 (cited by Labcorp Genetics (formerly Invitae), Labcorp); PubMed 24611874 (cited by Labcorp Genetics (formerly Invitae), Labcorp); PubMed 23662636 (cited by Labcorp Genetics (formerly Invitae), Labcorp and OMIM); PubMed 19609311 (cited by OMIM).